The following is an entry in ClinVar:

ClinVar aggregate classification (germline): Uncertain significance (1 of 4 stars; one submission).

gnomAD v4.1: 4 of 1,613,616 alleles (0.00025%); highest among the groups gnomAD compares: South Asian, 0.0011%; no homozygotes.

Submission:

Labcorp Genetics (formerly Invitae), Labcorp
Classification: Uncertain significance. Last evaluated: 2025-01-30. Review status: criteria provided, single submitter. Criteria: Invitae Variant Classification Sherloc (09022015). Collection method: clinical testing. Allele origin: germline.
Comment: This sequence change replaces threonine, which is neutral and polar, with methionine, which is neutral and non-polar, at codon 2092 of the NSD1 protein (p.Thr2092Met). This variant is not present in population databases (gnomAD no frequency). This variant has not been reported in the literature in individuals affected with NSD1-related conditions. Invitae Evidence Modeling of protein sequence and biophysical properties (such as structural, functional, and spatial information, amino acid conservation, physicochemical variation, residue mobility, and thermodynamic stability) indicates that this missense variant is expected to disrupt NSD1 protein function with a positive predictive value of 95%. In summary, the available evidence is currently insufficient to determine the role of this variant in disease. Therefore, it has been classified as a Variant of Uncertain Significance.

NM_022455.5(NSD1):c.6275C>T (p.Thr2092Met)

Gene: NSD1 (nuclear receptor binding SET domain protein 1; plus strand). Cytogenetic location: 5q35.3.
Variant type: single nucleotide variant.
Coding change: c.6275C>T on transcript NM_022455.5 (MANE Select); coding-DNA position 6275, C replaced by T.
Protein change: p.Thr2092Met; replaces threonine 2092 with methionine.
Molecular consequence: missense variant.
Genome position (GRCh38, 1-based): chr5:177,291,970, C>T. VCF-style: chr5-177291970-C-T. GRCh37 (hg19) VCF-style: chr5-176718971-C-T.
Other names: c.5402C>T, p.Thr1801Met (NM_001365684.2, NM_001409308.1, NM_172349.5); c.6275C>T, p.Thr2092Met (NM_001409301.1, NM_001409302.1, NM_001409303.1); c.5855C>T, p.Thr1952Met (NM_001409304.1); c.5522C>T, p.Thr1841Met (NM_001409305.1); c.5513C>T, p.Thr1838Met (NM_001409306.1, NM_001409307.1); c.5153C>T, p.Thr1718Met (NM_001409309.1); short protein forms T1841M, T1952M, T1718M, T1801M, T1838M, T2092M.
Identifiers: ClinVar variation 3707214 (VCV003707214.2).